The following is an entry in ClinVar:

NM_015443.4(KANSL1):c.937G>C (p.Val313Leu)

Gene: KANSL1 (KAT8 regulatory NSL complex subunit 1). Cytogenetic location: 17q21.31.
Variant type: single nucleotide variant.
Coding change: c.937G>C on transcript NM_015443.4 (MANE Select); coding-DNA position 937, G replaced by C.
Protein change: p.Val313Leu; replaces valine 313 with leucine.
Molecular consequence: missense variant.
Genome position (GRCh38, 1-based): chr17:46,171,207, C>G on the plus strand (G>C on the coding strand, the complement: KANSL1 is on the minus strand). VCF-style: chr17-46171207-C-G. GRCh37 (hg19) VCF-style: chr17-44248573-C-G.
Other names: c.937G>C, p.Val313Leu (NM_001193465.2, NM_001193466.2, NM_001379198.1); short protein forms V313L.
Identifiers: ClinVar variation 1055792 (VCV001055792.10), dbSNP rs1340481051, ClinGen allele CA399980062.

ClinVar aggregate classification (germline): Uncertain significance (1 of 4 stars; one submission).

Conditions:
Koolen-de Vries syndrome (KDVS). Identifiers: Orphanet 96169, MedGen C1864871, MONDO:0012496, OMIM 610443.

Submission:

Labcorp Genetics (formerly Invitae), Labcorp
Classification: Uncertain significance for Koolen-de Vries syndrome. Last evaluated: 2022-08-23. Review status: criteria provided, single submitter. Criteria: Invitae Variant Classification Sherloc (09022015). Collection method: clinical testing. Allele origin: germline.
Comment: Due to the possible presence of a polymorphic segmental duplication, the location of the variant could not be unambiguously resolved. Variants with ambiguous mapping are still reported relative to the KANSL1 transcript. This sequence change replaces valine, which is neutral and non-polar, with leucine, which is neutral and non-polar, at codon 313 of the KANSL1 protein (p.Val313Leu). This variant is not present in population databases (gnomAD no frequency). This variant has not been reported in the literature in individuals with KANSL1-related conditions. ClinVar contains an entry for this variant (Variation ID: 1055792). Algorithms developed to predict the effect of missense changes on protein structure and function are either unavailable or do not agree on the potential impact of this missense change (SIFT: "Tolerated"; PolyPhen-2: "Probably Damaging"; Align-GVGD: "Class C0"). Until the location of this sequence change can be resolved, the clinical significance of this variant remains uncertain. It has been classified as a Variant of Uncertain Significance.